The following is an entry in ClinVar:

NM_005670.4(EPM2A):c.301+5T>C

Genes: EPM2A-DT (EPM2A divergent transcript; plus strand), EPM2A (EPM2A glucan phosphatase, laforin; minus strand), LOC129997381 (ATAC-STARR-seq lymphoblastoid silent region 17642; plus strand). Cytogenetic location: 6q24.3.
Variant type: single nucleotide variant.
Coding change: c.301+5T>C on transcript NM_005670.4 (MANE Select); 5 bases into the intron after coding-DNA position 301, T replaced by C.
Molecular consequence: intron variant.
Genome position (GRCh38, 1-based): chr6:145,735,193, A>G on the plus strand (T>C on the coding strand, the complement: EPM2A is on the minus strand). VCF-style: chr6-145735193-A-G. GRCh37 (hg19) VCF-style: chr6-146056329-A-G.
Other names: c.-114+715T>C (NM_001360064.2); c.-114+52T>C (NM_001368131.1); c.301+5T>C (NM_001360057.2, NM_001018041.2, NM_001368130.1); c.-323+5T>C (NM_001368129.2); c.-369+5T>C (NM_001360071.2).
Identifiers: ClinVar variation 385490 (VCV000385490.10), dbSNP rs776655093, ClinGen allele CA4035218.

ClinVar aggregate classification (germline): Conflicting classifications of pathogenicity. Review status: criteria provided, conflicting classifications (1 of 4 stars). 4 submissions from 4 submitters: Uncertain significance (2); Likely benign (2). Last evaluated 2026-01-27.

Conditions:
Progressive myoclonic epilepsy. Also called: Myoclonic Epilepsies, Progressive; Familial progressive myoclonic epilepsy; Progressive myoclonus epilepsy; Myoclonus epilepsy. Identifiers: Orphanet 308, Orphanet 98261, MedGen C0751778, MONDO:0020074.
Inborn genetic diseases. Identifiers: MedGen C0950123, MeSH D030342.

Allele frequency attached by ClinVar (database versions not stated): ExAC below 0.00001; gnomAD exomes 0.00001; TOPMed 0.00003.
gnomAD v4.1: 71 of 1,504,464 alleles (0.0047%); highest among the groups gnomAD compares: Non-Finnish European, 0.0061%; no homozygotes.

Submissions (4):

Labcorp Genetics (formerly Invitae), Labcorp
Classification: Uncertain significance for Progressive myoclonic epilepsy. Last evaluated: 2026-01-27. Review status: criteria provided, single submitter. Criteria: Invitae Variant Classification Sherloc (09022015). Collection method: clinical testing. Allele origin: germline.
Comment: This sequence change falls in intron 1 of the EPM2A gene. It does not directly change the encoded amino acid sequence of the EPM2A protein. It affects a nucleotide within the consensus splice site. The frequency data for this variant in the population databases is considered unreliable, as metrics indicate poor data quality at this position in the gnomAD database. This variant has not been reported in the literature in individuals affected with EPM2A-related conditions. ClinVar contains an entry for this variant (Variation ID: 385490). Variants that disrupt the consensus splice site are a relatively common cause of aberrant splicing (PMID: 17576681, 9536098). Algorithms developed to predict the effect of sequence changes on RNA splicing suggest that this variant is not likely to affect RNA splicing. In summary, the available evidence is currently insufficient to determine the role of this variant in disease. Therefore, it has been classified as a Variant of Uncertain Significance.

Ambry Genetics
Classification: Uncertain significance for Inborn genetic diseases. Last evaluated: 2024-12-28. Review status: criteria provided, single submitter. Criteria: Ambry Variant Classification Scheme 2023. Collection method: clinical testing. Allele origin: germline.
Comment: The c.301+5T>C intronic alteration consists of a T to C substitution nucleotides after coding exon 1 in the EPM2A gene. Based on insufficient or conflicting evidence, the clinical significance of this alteration remains unclear.

Blueprint Genetics
Classification: Likely benign. Last evaluated: 2024-08-27. Review status: criteria provided, single submitter. Criteria: ACMG Guidelines, 2015. Collection method: clinical testing. Allele origin: germline.

GeneDx
Classification: Likely benign. Last evaluated: 2016-04-19. Review status: criteria provided, single submitter. Criteria: GeneDx Variant Classification (06012015). Collection method: clinical testing. Allele origin: germline. Affected: yes.
Comment: This variant is considered likely benign or benign based on one or more of the following criteria: it is a conservative change, it occurs at a poorly conserved position in the protein, it is predicted to be benign by multiple in silico algorithms, and/or has population frequency not consistent with disease.

Literature cited by the submitters: PubMed 17576681 (cited by Labcorp Genetics (formerly Invitae), Labcorp); PubMed 9536098 (cited by Labcorp Genetics (formerly Invitae), Labcorp).